The following is an entry in ClinVar:

ClinVar aggregate classification (germline): Pathogenic. Review status: criteria provided, single submitter (1 of 4 stars). 2 submissions from 2 submitters: Pathogenic (1). 1 of the submissions does not count toward it. Last evaluated 2013-01-07.

Conditions:
Pyruvate dehydrogenase E1-alpha deficiency (PDHAD). Also called: ATAXIA, INTERMITTENT, WITH PYRUVATE DEHYDROGENASE DEFICIENCY; ATAXIA WITH LACTIC ACIDOSIS I; ATAXIA, INTERMITTENT, WITH ABNORMAL PYRUVATE METABOLISM; Ataxia, intermittent, with pyruvate dehydrogenase, or decarboxylase, deficiency. Identifiers: Orphanet 79243, MedGen C1839413, MONDO:0010717, OMIM 312170.

Submissions (2):

GeneDx
Classification: Pathogenic. Last evaluated: 2013-01-07. Review status: criteria provided, single submitter. Criteria: GeneDx Variant Classification (06012015). Collection method: clinical testing. Allele origin: germline. Affected: yes.
Comment: c.1008+1_27 del27: IVS10+1_27del27 in intron 10 of the PDHA1 gene (NM_000284.3) The c.1008+1_27del27 splice site mutation in the PDHA1 gene destroys the canonical splice donor site in intron 10 of the PDHA1. It is predicted to cause abnormal gene splicing, either leading to an abnormal message that is subject to nonsense-mediated mRNA decay, or to an abnormal protein product if the message is used for protein translation. The variant is found in MITONUC-MITOP panel(s).

PDHA1 Study Group, University Children’s Hospital, Paracelsus Medical University
Classification: Pathogenic for Pyruvate dehydrogenase E1-alpha deficiency. Last evaluated: 2024-10-15. Review status: no assertion criteria provided. Collection method: research. Allele origin: de novo. Affected: yes. Observed: 1 variant allele. Not counted in ClinVar's aggregate classification.
Comment: The NM_000284.3:c.1008+1_1008+27del (p.?) variant affects splicing in PDHA1 gene. Among them, 1 case had confirmed de novo occurrence. Last literature search: July 12, 2024. This variant is absent or extremely rare in population-based cohorts in the Genome Aggregation Database (gnomAD). Individuals harboring this variant presented with clinical features compatible with PDHA1-related PDHc deficiency. In summary, this variant meets criteria to be classified as pathogenic (P) for PDHA1-related PDHc deficiency based on the ACMG/AMP criteria applied: PVS1, PS2, PM2 (last assessment October 15, 2024).

Literature cited by the submitters: DOI 10.1093/brain/awaf430 (cited by PDHA1 Study Group, University Children’s Hospital, Paracelsus Medical University).

NM_000284.4(PDHA1):c.1008+1_1008+27del

Gene: PDHA1 (pyruvate dehydrogenase E1 subunit alpha 1; plus strand). Cytogenetic location: Xp22.12.
Variant type: Deletion.
Coding change: c.1008+1_1008+27del on transcript NM_000284.4 (MANE Select); the canonical splice donor site of the intron after coding-DNA position 1008 through 27 bases into the intron after coding-DNA position 1008, 27 bases deleted (GTACAGTCACTTGTTCATGGTGGTTTG).
Molecular consequence: splice donor variant.
Genome position (GRCh38, 1-based): chrX:19,359,025-19,359,051, GTACAGTCACTTGTTCATGGTGGTTTG deleted; deleting any 27 consecutive bases within chrX:19,359,024-19,359,051 gives the same sequence; the c. name uses the placement nearest the transcript's 3' end. VCF-style (leftmost placement, unchanged base first): chrX-19359023-AGGTACAGTCACTTGTTCATGGTGGTTT-A. GRCh37 (hg19) VCF-style: chrX-19377141-AGGTACAGTCACTTGTTCATGGTGGTTT-A.
Other names: c.1008+1_1008+27del (NM_000284.3); c.1008+1_1008+27delGTACAGTCACTTGTTCATGGTGGTTTG (NM_000284.3); c.1122+1_1122+27del (NM_001173454.2); c.1029+1_1029+27del (NM_001173455.2); c.915+1_915+27del (NM_001173456.2).
Identifiers: ClinVar variation 214946 (VCV000214946.2), dbSNP rs863224155, ClinGen allele CA322394.
Genomic context (GRCh38, chrX:19,359,023, plus strand): 5'-CTATTATGCTTCTCAAGGACAGGATGGTGAACAGCAATCTTGCCAGTGTGGAAGAACTAA[AGGTACAGTCACTTGTTCATGGTGGTTT>A]GAAGGTTGGCTTTAAAAGTTGCCACCCCTGGGTGGCCACAGAGTTTGTGTGGGTTCCTCC-3'